The following is an entry in ClinVar:

ClinVar aggregate classification (germline): Conflicting classifications of pathogenicity. Review status: criteria provided, conflicting classifications (1 of 4 stars). 5 submissions from 5 submitters: Uncertain significance (1); Benign (1); Likely benign (2). 1 of the submissions does not count toward it. Last evaluated 2026-01-28.

Conditions:
3-hydroxy-3-methylglutaryl-CoA synthase deficiency (HMGCS2D). Also called: MITOCHONDRIAL HMG-CoA SYNTHASE DEFICIENCY; HMG-CoA synthase-2 deficiency; HMGCS2 DEFICIENCY. Identifiers: Orphanet 35701, MedGen C2751532, MONDO:0011614, OMIM 605911.
HMGCS2-related disorder. Also called: HMGCS2-related condition.

Allele frequency attached by ClinVar (database versions not stated): gnomAD 0.00016; ExAC 0.00018; gnomAD exomes 0.00022; TOPMed 0.00022; 1000 Genomes Project 0.00040; 1000 Genomes Project 30x 0.00047.
gnomAD v4.1: 223 of 1,613,988 alleles (0.014%); highest among the groups gnomAD compares: East Asian, 0.16%; 3 homozygotes.

Submissions (5):

Labcorp Genetics (formerly Invitae), Labcorp
Classification: Benign for 3-hydroxy-3-methylglutaryl-CoA synthase deficiency. Last evaluated: 2026-01-28. Review status: criteria provided, single submitter. Criteria: Invitae Variant Classification Sherloc (09022015). Collection method: clinical testing. Allele origin: germline.

Blueprint Genetics
Classification: Likely benign. Last evaluated: 2024-10-28. Review status: criteria provided, single submitter. Criteria: ACMG Guidelines, 2015. Collection method: clinical testing. Allele origin: germline.

Illumina Laboratory Services, Illumina
Classification: Uncertain significance for 3-hydroxy-3-methylglutaryl-CoA synthase deficiency. Last evaluated: 2018-01-13. Review status: criteria provided, single submitter. Criteria: ICSL Variant Classification Criteria 13 December 2019. Collection method: clinical testing. Allele origin: germline.

GeneDx
Classification: Likely benign. Last evaluated: 2016-05-24. Review status: criteria provided, single submitter. Criteria: GeneDx Variant Classification (06012015). Collection method: clinical testing. Allele origin: germline. Affected: yes.
Comment: This variant is considered likely benign or benign based on one or more of the following criteria: it is a conservative change, it occurs at a poorly conserved position in the protein, it is predicted to be benign by multiple in silico algorithms, and/or has population frequency not consistent with disease.

PreventionGenetics, part of Exact Sciences
Classification: Likely benign for HMGCS2-related condition. Last evaluated: 2021-09-10. Review status: no assertion criteria provided. Collection method: clinical testing. Allele origin: germline. Not counted in ClinVar's aggregate classification.
Comment: This variant is classified as likely benign based on ACMG/AMP sequence variant interpretation guidelines (Richards et al. 2015 PMID: 25741868, with internal and published modifications).

NM_005518.4(HMGCS2):c.851-14G>A

Gene: HMGCS2 (3-hydroxy-3-methylglutaryl-CoA synthase 2; minus strand). Cytogenetic location: 1p12.
Variant type: single nucleotide variant.
Coding change: c.851-14G>A on transcript NM_005518.4 (MANE Select); 14 bases into the intron before coding-DNA position 851, G replaced by A.
Molecular consequence: intron variant.
Genome position (GRCh38, 1-based): chr1:119,757,452, C>T on the plus strand (G>A on the coding strand, the complement: HMGCS2 is on the minus strand). VCF-style: chr1-119757452-C-T. GRCh37 (hg19) VCF-style: chr1-120300075-C-T.
Other names: c.725-14G>A (NM_001166107.1).
Identifiers: ClinVar variation 292335 (VCV000292335.15), dbSNP rs188523700, ClinGen allele CA1037751.